The following is an entry in ClinVar:

NM_012210.4(TRIM32):c.1682T>A (p.Leu561Gln)

Genes: ASTN2 (astrotactin 2; minus strand), TRIM32 (tripartite motif containing 32; plus strand). Cytogenetic location: 9q33.1.
Variant type: single nucleotide variant.
Coding change: c.1682T>A on transcript NM_012210.4 (MANE Select); coding-DNA position 1682, T replaced by A.
Protein change: p.Leu561Gln; replaces leucine 561 with glutamine.
Molecular consequence: missense variant. On other transcripts: intron variant (3).
Genome position (GRCh38, 1-based): chr9:116,699,424, T>A. VCF-style: chr9-116699424-T-A. GRCh37 (hg19) VCF-style: chr9-119461703-T-A.
Other names: c.1682T>A, p.Leu561Gln (NM_001099679.2, NM_001379048.1, NM_001379049.1 and 1 more transcripts); c.2653+26347A>T (NM_014010.5); c.2794+26347A>T (NM_001365069.1); c.2806+26347A>T (NM_001365068.1); short protein forms L561Q.
Identifiers: ClinVar variation 4999539 (VCV004999539.1).

ClinVar aggregate classification (germline): Uncertain significance (1 of 4 stars; one submission).

Conditions:
TRIM32-related disorder. Also called: TRIM32-related condition.

gnomAD v4.1: 2 of 1,614,032 alleles (0.00012%); highest among the groups gnomAD compares: African/African-American, 0.0027%; no homozygotes.

Submission:

PreventionGenetics, part of Exact Sciences
Classification: Uncertain significance for TRIM32-related condition. Last evaluated: 2025-05-13. Review status: criteria provided, single submitter. Criteria: ACMG Guidelines, 2015. Collection method: clinical testing. Allele origin: germline.
Comment: The TRIM32 c.1682T>A variant is predicted to result in the amino acid substitution p.Leu561Gln. To our knowledge, this variant has not been reported in the literature. This variant is reported in 0.0062% of alleles in individuals of African descent in gnomAD. At this time, the clinical significance of this variant is uncertain due to the absence of conclusive functional and genetic evidence.